The following is an entry in ClinVar:

ClinVar aggregate classification (germline): Uncertain significance (1 of 4 stars; one submission).

Submission:

GeneDx
Classification: Uncertain significance. Last evaluated: 2026-04-20. Review status: criteria provided, single submitter. Criteria: GeneDx Variant Classification Process June 2021. Collection method: clinical testing. Allele origin: germline.
Comment: Not observed at significant frequency in large population cohorts (gnomAD); In silico analysis supports that this missense variant has a deleterious effect on protein structure/function; Has not been previously published as pathogenic or benign to our knowledge

NM_000062.3(SERPING1):c.869T>G (p.Leu290Arg)

Gene: SERPING1 (serpin family G member 1; plus strand). Cytogenetic location: 11q12.1.
Variant type: single nucleotide variant.
Coding change: c.869T>G on transcript NM_000062.3 (MANE Select); coding-DNA position 869, T replaced by G.
Protein change: p.Leu290Arg; replaces leucine 290 with arginine.
Molecular consequence: missense variant.
Genome position (GRCh38, 1-based): chr11:57,606,193, T>G. VCF-style: chr11-57606193-T-G. GRCh37 (hg19) VCF-style: chr11-57373666-T-G.
Other names: c.869T>G, p.Leu290Arg (NM_001032295.2); short protein forms L290R.
Identifiers: ClinVar variation 5037455 (VCV005037455.1).